The following is an entry in ClinVar:

ClinVar aggregate classification (germline): Uncertain significance (1 of 4 stars; one submission).

Allele frequency attached by ClinVar (database versions not stated): gnomAD exomes below 0.00001; ExAC 0.00001.

Submission:

Labcorp Genetics (formerly Invitae), Labcorp
Classification: Uncertain significance. Last evaluated: 2021-09-01. Review status: criteria provided, single submitter. Criteria: Invitae Variant Classification Sherloc (09022015). Collection method: clinical testing. Allele origin: germline.
Comment: This sequence change replaces alanine with threonine at codon 315 of the USH2A protein (p.Ala315Thr). The alanine residue is weakly conserved and there is a small physicochemical difference between alanine and threonine. This variant is present in population databases (rs776898258, ExAC 0.001%). This variant has not been reported in the literature in individuals affected with USH2A-related conditions. Algorithms developed to predict the effect of missense changes on protein structure and function (SIFT, PolyPhen-2, Align-GVGD) all suggest that this variant is likely to be tolerated. In summary, the available evidence is currently insufficient to determine the role of this variant in disease. Therefore, it has been classified as a Variant of Uncertain Significance.

NM_206933.4(USH2A):c.943G>A (p.Ala315Thr)

Gene: USH2A (usherin; minus strand). Cytogenetic location: 1q41.
Variant type: single nucleotide variant.
Coding change: c.943G>A on transcript NM_206933.4 (MANE Select); coding-DNA position 943, G replaced by A.
Protein change: p.Ala315Thr; replaces alanine 315 with threonine.
Molecular consequence: missense variant.
Genome position (GRCh38, 1-based): chr1:216,325,505, C>T on the plus strand (G>A on the coding strand, the complement: USH2A is on the minus strand). VCF-style: chr1-216325505-C-T. GRCh37 (hg19) VCF-style: chr1-216498847-C-T.
Other names: c.943G>A, p.Ala315Thr (NM_007123.6); short protein forms A315T.
Identifiers: ClinVar variation 1515288 (VCV001515288.5), dbSNP rs776898258, ClinGen allele CA1396635.
Genomic context (GRCh38, chr1:216,325,505, plus strand): 5'-ACCGTGACACTCTATTATCAGCTGTGTCTCCTGCATCATTAGGAATGCAGTACCGCTGTG[C>T]CAAAGGGTGGACCCGCGGGTGGCTGCCAGGGCAACGGCAATGTGATTGGGCATGCAATCT-3'
Protein context (NP_996816.3, residues 305-325): PGSHPRVHPL[Ala315Thr]QRYCIPNDAG